The following is an entry in ClinVar:

NM_000051.4(ATM):c.2519A>T (p.Asp840Val)

Gene: ATM (ATM serine/threonine kinase; plus strand). Cytogenetic location: 11q22.3.
Variant type: single nucleotide variant.
Coding change: c.2519A>T on transcript NM_000051.4 (MANE Select); coding-DNA position 2519, A replaced by T.
Protein change: p.Asp840Val; replaces aspartic acid 840 with valine.
Molecular consequence: missense variant.
Genome position (GRCh38, 1-based): chr11:108,267,223, A>T. VCF-style: chr11-108267223-A-T. GRCh37 (hg19) VCF-style: chr11-108137950-A-T.
Other names: c.2519A>T, p.Asp840Val (NM_001351834.2); short protein forms D840V.
Identifiers: ClinVar variation 185978 (VCV000185978.62), dbSNP rs786202605, ClinGen allele CA193546.

ClinVar aggregate classification (germline): Conflicting classifications of pathogenicity. Review status: criteria provided, conflicting classifications (1 of 4 stars). 12 submissions from 12 submitters: Uncertain significance (10); Likely benign (1). 1 of the submissions does not count toward it. Last evaluated 2026-01-07.

Conditions:
Breast and/or ovarian cancer. Identifiers: MedGen CN221562.
Hereditary cancer-predisposing syndrome. Also called: Tumor predisposition; Neoplastic Syndromes, Hereditary; Hereditary Cancer Syndrome; Hereditary neoplastic syndrome. Identifiers: Orphanet 140162, MedGen C0027672, MeSH D009386, MONDO:0015356.
Familial cancer of breast. Also called: hereditary breast carcinoma; BREAST CANCER, FAMILIAL; Hereditary breast cancer. Identifiers: Orphanet 227535, MedGen C0346153, MONDO:0016419, OMIM 114480. Disease mechanism: loss of function.
Ataxia-telangiectasia syndrome (AT). Also called: LOUIS-BAR SYNDROME; Ataxia-telangiectasia, complementation group D; Ataxia telangiectasia (A-T); AT, COMPLEMENTATION GROUP C; ATAXIA-TELANGIECTASIA, COMPLEMENTATION GROUP A; ATAXIA-TELANGIECTASIA, FRESNO VARIANT. Identifiers: Orphanet 100, MedGen C0004135, MONDO:0008840, OMIM 208900.

Allele frequency attached by ClinVar (database versions not stated): gnomAD exomes 0.00001; TOPMed 0.00001; gnomAD 0.00002 and 0.00003.
gnomAD v4.1: 21 of 1,614,028 alleles (0.0013%); highest among the groups gnomAD compares: Admixed American, 0.0033%; no homozygotes.

Submissions (12):

Labcorp Genetics (formerly Invitae), Labcorp
Classification: Uncertain significance for Ataxia-telangiectasia syndrome. Last evaluated: 2026-01-07. Review status: criteria provided, single submitter. Criteria: Invitae Variant Classification Sherloc (09022015). Collection method: clinical testing. Allele origin: germline.
Comment: This sequence change replaces aspartic acid, which is acidic and polar, with valine, which is neutral and non-polar, at codon 840 of the ATM protein (p.Asp840Val). This variant is present in population databases (rs786202605, gnomAD 0.0009%). This missense change has been observed in individual(s) with breast cancer (PMID: 29522266). ClinVar contains an entry for this variant (Variation ID: 185978). Invitae Evidence Modeling of protein sequence and biophysical properties (such as structural, functional, and spatial information, amino acid conservation, physicochemical variation, residue mobility, and thermodynamic stability) indicates that this missense variant is not expected to disrupt ATM protein function with a negative predictive value of 95%. In summary, the available evidence is currently insufficient to determine the role of this variant in disease. Therefore, it has been classified as a Variant of Uncertain Significance.

Ambry Genetics
Classification: Likely benign for Hereditary cancer-predisposing syndrome. Last evaluated: 2025-11-25. Review status: criteria provided, single submitter. Criteria: Ambry Variant Classification Scheme 2023. Collection method: clinical testing. Allele origin: germline.

Baylor Genetics
Classification: Uncertain significance for Familial cancer of breast. Last evaluated: 2023-12-19. Review status: criteria provided, single submitter. Criteria: ACMG Guidelines, 2015. Collection method: clinical testing. Allele origin: unknown.

Athena Diagnostics
Classification: Uncertain significance. Last evaluated: 2023-11-21. Review status: criteria provided, single submitter. Criteria: Athena Diagnostics Criteria. Collection method: clinical testing. Allele origin: unknown.
Comment: Available data are insufficient to determine the clinical significance of the variant at this time. The frequency of this variant in the general population is uninformative in assessment of its pathogenicity. Computational tools predict that this variant is not damaging.

Color Diagnostics, LLC DBA Color Health
Classification: Uncertain significance for Hereditary cancer-predisposing syndrome. Last evaluated: 2023-07-25. Review status: criteria provided, single submitter. Criteria: ACMG Guidelines, 2015. Collection method: clinical testing. Allele origin: germline.
Comment: This missense variant replaces aspartic acid with valine at codon 840 of the ATM protein. Computational prediction suggests that this variant may not impact protein structure and function (internally defined REVEL score threshold <= 0.5, PMID: 27666373). To our knowledge, functional studies have not been reported for this variant. This variant has been reported in an individual affected with breast cancer (PMID: 29522266). This variant has been identified in 2/251410 chromosomes in the general population by the Genome Aggregation Database (gnomAD). The available evidence is insufficient to determine the role of this variant in disease conclusively. Therefore, this variant is classified as a Variant of Uncertain Significance.

Blueprint Genetics
Classification: Uncertain significance. Last evaluated: 2023-04-10. Review status: criteria provided, single submitter. Criteria: ACMG Guidelines, 2015. Collection method: clinical testing. Allele origin: germline.

CeGaT Center for Human Genetics Tuebingen
Classification: Uncertain significance. Last evaluated: 2022-09-01. Review status: criteria provided, single submitter. Criteria: CeGaT Center For Human Genetics Tuebingen Variant Classification Criteria Version 2. Collection method: clinical testing. Allele origin: germline. Affected: yes. Observed: 1 variant allele.
Comment: ATM: PM1:Strong, BP4

CHEO Genetics Diagnostic Laboratory, Children's Hospital of Eastern Ontario
Classification: Uncertain significance for Breast and/or ovarian cancer. Last evaluated: 2022-03-16. Review status: criteria provided, single submitter. Criteria: ACMG Guidelines, 2015. Collection method: clinical testing. Allele origin: germline.

Institute for Clinical Genetics, University Hospital TU Dresden, University Hospital TU Dresden
Classification: Uncertain significance. Last evaluated: 2021-11-03. Review status: criteria provided, single submitter. Criteria: ACMG Guidelines, 2015. Collection method: clinical testing. Allele origin: germline.

GeneDx
Classification: Uncertain significance. Last evaluated: 2019-11-25. Review status: criteria provided, single submitter. Criteria: GeneDx Variant Classification Process June 2021. Collection method: clinical testing. Allele origin: germline. Affected: yes.
Comment: Not observed at a significant frequency in large population cohorts (Lek 2016); In silico analysis, which includes protein predictors and evolutionary conservation, supports that this variant does not alter protein structure/function; Observed in an individual undergoing multi-gene cancer panel testing based on personal and/or family history (Cabanillas 2017); This variant is associated with the following publications: (PMID: 28717660)

PreventionGenetics, part of Exact Sciences
Classification: Uncertain significance. Last evaluated: 2017-10-05. Review status: criteria provided, single submitter. Criteria: ACMG Guidelines, 2015. Collection method: clinical testing. Allele origin: germline.

Natera, Inc.
Classification: Uncertain significance for Ataxia-telangiectasia. Last evaluated: 2021-03-05. Review status: no assertion criteria provided. Collection method: clinical testing. Allele origin: germline. Not counted in ClinVar's aggregate classification.

Literature cited by the submitters: PubMed 29522266 (cited by 4 submitters); PubMed 40580951 (cited by Ambry Genetics); PubMed 28717660 (cited by Athena Diagnostics).